The following is an entry in ClinVar:

ClinVar aggregate classification (germline): Uncertain significance (1 of 4 stars; one submission).

Allele frequency attached by ClinVar (database versions not stated): gnomAD exomes below 0.00001; TOPMed 0.00001.
gnomAD v4.1: 1 of 1,609,490 alleles (0.000062%); highest among the groups gnomAD compares: African/African-American, 0.0013%; no homozygotes.

Submission:

Labcorp Genetics (formerly Invitae), Labcorp
Classification: Uncertain significance. Last evaluated: 2022-06-14. Review status: criteria provided, single submitter. Criteria: Invitae Variant Classification Sherloc (09022015). Collection method: clinical testing. Allele origin: germline.
Comment: In summary, the available evidence is currently insufficient to determine the role of this variant in disease. Therefore, it has been classified as a Variant of Uncertain Significance. Advanced modeling of protein sequence and biophysical properties (such as structural, functional, and spatial information, amino acid conservation, physicochemical variation, residue mobility, and thermodynamic stability) performed at Invitae indicates that this missense variant is not expected to disrupt SI protein function. This variant has not been reported in the literature in individuals affected with SI-related conditions. This variant is not present in population databases (gnomAD no frequency). This sequence change replaces leucine, which is neutral and non-polar, with proline, which is neutral and non-polar, at codon 968 of the SI protein (p.Leu968Pro).

NM_001041.4(SI):c.2903T>C (p.Leu968Pro)

Gene: SI (sucrase-isomaltase; minus strand). Cytogenetic location: 3q26.1.
Variant type: single nucleotide variant.
Coding change: c.2903T>C on transcript NM_001041.4 (MANE Select); coding-DNA position 2903, T replaced by C.
Protein change: p.Leu968Pro; replaces leucine 968 with proline.
Molecular consequence: missense variant.
Genome position (GRCh38, 1-based): chr3:165,023,766, A>G on the plus strand (T>C on the coding strand, the complement: SI is on the minus strand). VCF-style: chr3-165023766-A-G. GRCh37 (hg19) VCF-style: chr3-164741554-A-G.
Other names: short protein forms L968P.
Identifiers: ClinVar variation 2174097 (VCV002174097.4), dbSNP rs1711756335, ClinGen allele CA355042676.
Genomic context (GRCh38, chr3:165,023,766, plus strand): 5'-GCTGAGTTGACTGAATAAGAGTTATCTTGTCTGGGAAAGTAACACTCAGGTGCTTTGGAT[A>G]GAGAAGAACCCTAAAAACACAATGCATGTTCATTGCCAGAAATTATAAGCCTTGTAATAT-3'
Protein context (NP_001032.2, residues 958-978): RGCVWRTGSS[Leu968Pro]SKAPECYFPR